The following is an entry in ClinVar:

NM_177550.5(SLC13A5):c.715G>A (p.Glu239Lys)

Gene: SLC13A5 (solute carrier family 13 member 5; minus strand). Cytogenetic location: 17p13.1.
Variant type: single nucleotide variant.
Coding change: c.715G>A on transcript NM_177550.5 (MANE Select); coding-DNA position 715, G replaced by A.
Protein change: p.Glu239Lys; replaces glutamic acid 239 with lysine.
Molecular consequence: missense variant.
Genome position (GRCh38, 1-based): chr17:6,702,971, C>T on the plus strand (G>A on the coding strand, the complement: SLC13A5 is on the minus strand). VCF-style: chr17-6702971-C-T. GRCh37 (hg19) VCF-style: chr17-6606290-C-T.
Other names: c.715G>A, p.Glu239Lys (NM_001143838.3); c.664G>A, p.Glu222Lys (NM_001284509.2); c.586G>A, p.Glu196Lys (NM_001284510.2); short protein forms E196K, E222K, E239K.
Identifiers: ClinVar variation 2002855 (VCV002002855.4), dbSNP rs1338244280, ClinGen allele CA397748498.

ClinVar aggregate classification (germline): Uncertain significance (1 of 4 stars; one submission).

Conditions:
Developmental and epileptic encephalopathy, 25 (DEE25). Also called: Developmental and epileptic encephalopathy 25, with amelogenesis imperfecta; Epileptic encephalopathy, early infantile, 25, with amelogenesis imperfecta; Epileptic encephalopathy, early infantile, 25. Identifiers: Orphanet 442835, MedGen C4014621, MONDO:0014392, OMIM 615905.

Allele frequency attached by ClinVar (database versions not stated): gnomAD exomes below 0.00001.
gnomAD v4.1: 3 of 1,613,928 alleles (0.00019%); highest among the groups gnomAD compares: Non-Finnish European, 0.00025%; no homozygotes.

Submission:

Labcorp Genetics (formerly Invitae), Labcorp
Classification: Uncertain significance for Developmental and epileptic encephalopathy, 25. Last evaluated: 2022-07-14. Review status: criteria provided, single submitter. Criteria: Invitae Variant Classification Sherloc (09022015). Collection method: clinical testing. Allele origin: germline.
Comment: This sequence change replaces glutamic acid, which is acidic and polar, with lysine, which is basic and polar, at codon 239 of the SLC13A5 protein (p.Glu239Lys). The frequency data for this variant in the population databases is considered unreliable, as metrics indicate poor data quality at this position in the gnomAD database. This variant has not been reported in the literature in individuals affected with SLC13A5-related conditions. Algorithms developed to predict the effect of missense changes on protein structure and function (SIFT, PolyPhen-2, Align-GVGD) all suggest that this variant is likely to be tolerated. In summary, the available evidence is currently insufficient to determine the role of this variant in disease. Therefore, it has been classified as a Variant of Uncertain Significance.